The following is an entry in ClinVar:

ClinVar aggregate classification (germline): Conflicting classifications of pathogenicity. Review status: criteria provided, conflicting classifications (1 of 4 stars). 3 submissions from 3 submitters: Uncertain significance (2); Likely benign (1). Last evaluated 2025-12-16.

Conditions:
Familial hypobetalipoproteinemia 1. Also called: APOB-Related Familial Hypobetalipoproteinemia; Hypobetalipoproteinemia, normotriglyceridemic; Acanthocytosis with hypobetalipoproteinemia. Identifiers: MedGen C4551990, MONDO:0014252, OMIM 615558.
Hypercholesterolemia, autosomal dominant, type B (FHCL2). Also called: APOLIPOPROTEIN B-100, FAMILIAL DEFECTIVE; APOLIPOPROTEIN B-100, FAMILIAL LIGAND-DEFECTIVE; HYPERCHOLESTEROLEMIA, FAMILIAL, DUE TO LIGAND-DEFECTIVE APOLIPOPROTEIN B; Familial Hypercholesterolemia Type B; Familial hypercholesterolemia 2; APOB-Related Familial Hypercholesterolemia, Autosomal Dominant. Identifiers: MedGen C1704417, MONDO:0007751, OMIM 144010.
Cardiovascular phenotype. Identifiers: MedGen CN230736.

Allele frequency attached by ClinVar (database versions not stated): gnomAD exomes below 0.00001; TOPMed below 0.00001; ExAC 0.00001; 1000 Genomes Project 30x 0.00016; 1000 Genomes Project 0.00020.
gnomAD v4.1: 4 of 1,614,082 alleles (0.00025%); highest among the groups gnomAD compares: African/African-American, 0.0013%; no homozygotes.

Submissions (3):

Ambry Genetics
Classification: Uncertain significance for Cardiovascular phenotype. Last evaluated: 2025-12-16. Review status: criteria provided, single submitter. Criteria: Ambry Variant Classification Scheme 2023. Collection method: clinical testing. Allele origin: germline.
Comment: The p.T2794I variant (also known as c.8381C>T), located in coding exon 26 of the APOB gene, results from a C to T substitution at nucleotide position 8381. The threonine at codon 2794 is replaced by isoleucine, an amino acid with similar properties. This amino acid position is conserved. In addition, this alteration is predicted to be tolerated by in silico analysis. Based on the available evidence, the clinical significance of this variant remains unclear.

Labcorp Genetics (formerly Invitae), Labcorp
Classification: Likely benign for Familial hypobetalipoproteinemia 1; Hypercholesterolemia, autosomal dominant, type B. Last evaluated: 2025-02-10. Review status: criteria provided, single submitter. Criteria: Invitae Variant Classification Sherloc (09022015). Collection method: clinical testing. Allele origin: germline.

GeneDx
Classification: Uncertain significance. Last evaluated: 2023-03-30. Review status: criteria provided, single submitter. Criteria: GeneDx Variant Classification Process June 2021. Collection method: clinical testing. Allele origin: germline. Affected: yes.
Comment: Has not been previously published as pathogenic or benign to our knowledge; Not observed at significant frequency in large population cohorts (gnomAD); In silico analysis supports that this missense variant has a deleterious effect on protein structure/function; Also known as p.(T2767I)

NM_000384.3(APOB):c.8381C>T (p.Thr2794Ile)

Gene: APOB (apolipoprotein B; minus strand). Cytogenetic location: 2p24.1.
Variant type: single nucleotide variant.
Coding change: c.8381C>T on transcript NM_000384.3 (MANE Select); coding-DNA position 8381, C replaced by T.
Protein change: p.Thr2794Ile; replaces threonine 2794 with isoleucine.
Molecular consequence: missense variant.
Genome position (GRCh38, 1-based): chr2:21,008,487, G>A on the plus strand (C>T on the coding strand, the complement: APOB is on the minus strand). VCF-style: chr2-21008487-G-A. GRCh37 (hg19) VCF-style: chr2-21231359-G-A.
Other names: short protein forms T2794I.
Identifiers: ClinVar variation 2582162 (VCV002582162.6), dbSNP rs183394803, ClinGen allele CA065620.